The following is an entry in ClinVar:

NM_001005242.3(PKP2):c.1368del (p.Lys456fs)

Gene: PKP2 (plakophilin 2; minus strand). Cytogenetic location: 12p11.21.
Variant type: Deletion.
Coding change: c.1368del on transcript NM_001005242.3 (MANE Select); coding-DNA position 1368, one base deleted (A; older notation c.1368delA).
Protein change: p.Lys456fs; shifts the reading frame from lysine 456.
Molecular consequence: frameshift variant.
Genome position (GRCh38, 1-based): chr12:32,850,776, T deleted on the plus strand (A on the coding strand, the reverse complement: PKP2 is on the minus strand); the first of 6 consecutive T bases (chr12:32,850,776-32,850,781); deleting any one gives the same sequence. VCF-style (leftmost placement, unchanged base first): chr12-32850775-GT-G. GRCh37 (hg19) VCF-style: chr12-33003709-GT-G.
Other names: c.1368del, p.Lys456fs (NM_004572.4); c.1368delA (NM_004572.3); c.1368del (NM_004572.3); short protein forms K456fs.
Identifiers: ClinVar variation 917646 (VCV000917646.12), dbSNP rs1393661338, ClinGen allele CA687466958.
Genomic context (GRCh38, chr12:32,850,775, plus strand): 5'-TCTGGCTGGGGTGCAAATGTGTTAGGTTCTTCAATGTTCAGTAAGCACTACCTGTTATTT[GT>G]TTTTTAGTCTCCAAGTCTCTGGTTTGCTTCAGCACCTGGAGCAGCCGAGGTACCCCATTT-3'

ClinVar aggregate classification (germline): Pathogenic/Likely pathogenic. Review status: criteria provided, multiple submitters, no conflicts (2 of 4 stars). 5 submissions from 5 submitters: Pathogenic (4); Likely pathogenic (1). Last evaluated 2025-05-08.

Conditions:
Cardiovascular phenotype. Identifiers: MedGen CN230736.
Arrhythmogenic right ventricular cardiomyopathy (ARVD). Also called: Arrhythmogenic cardiomyopathy; Cardiomyopathy, ARVC; Arrhythmogenic right ventricular dysplasia; Arrhythmogenic Right Ventricular Cardiomyopathy (ARVC). Identifiers: Orphanet 247, MedGen C0349788, MeSH D019571, MONDO:0016587. Disease mechanism: loss of function. Inheritance: Various modes of inheritance.
Familial isolated arrhythmogenic right ventricular dysplasia. Identifiers: Orphanet 217656, MedGen C4274968, MONDO:0016342.
Arrhythmogenic right ventricular dysplasia 9 (ARVD9). Also called: Arrhythmogenic Right Ventricular Dysplasia/Cardiomyopathy 9; ARRHYTHMOGENIC RIGHT VENTRICULAR DYSPLASIA, FAMILIAL, 9. Identifiers: MedGen C1836906, MONDO:0012180, OMIM 609040.

Submissions (5):

GeneDx
Classification: Pathogenic. Last evaluated: 2025-05-08. Review status: criteria provided, single submitter. Criteria: GeneDx Variant Classification Process June 2021. Collection method: clinical testing. Allele origin: germline. Affected: yes.
Comment: Identified in at least one patient with ARVC in published literature (PMID: 16549640, 20031617, 25820315); Not observed in large population cohorts (gnomAD); Frameshift variant predicted to result in protein truncation or nonsense mediated decay in a gene for which loss-of-function is a known mechanism of disease; This variant is associated with the following publications: (PMID: 16549640, 25820315, 31386562, 31402444, 20152563, 20031617)

All of Us Research Program, National Institutes of Health
Classification: Pathogenic for Arrhythmogenic right ventricular cardiomyopathy. Last evaluated: 2024-01-08. Review status: criteria provided, single submitter. Criteria: ACMG Guidelines, 2015. Collection method: clinical testing. Allele origin: germline. Inheritance: Autosomal dominant inheritance. Observed: 1 variant allele, 1 heterozygote.
Comment: This variant causes deletion of 1 nucleotide in exon 5 of the PKP2 gene, creating a frameshift and premature translation stop signal. This variant is expected to result in an absent or non-functional protein product. This variant has been reported in at least two unrelated individuals affected with arrhythmogenic right ventricular cardiomyopathy/dysplasia (PMID: 16549640, 20031617, 20152563, 20857253, 23671136, 25820315, 28588093, 31386562), including in one individual who inherited the variant from an unaffected mother (PMID: 20152563). This variant has not been identified in the general population by the Genome Aggregation Database (gnomAD). Loss of PKP2 function is a known mechanism of disease. Based on the available evidence, this variant is classified as Pathogenic.

This study involves interpretation of variants in research participants for the purpose of population health screening. Participant phenotype was not available at the time of variant classification. Additional details can be found in publication PMID: 35346344, PMCID: PMC8962531

Labcorp Genetics (formerly Invitae), Labcorp
Classification: Pathogenic for Arrhythmogenic right ventricular dysplasia 9. Last evaluated: 2022-08-09. Review status: criteria provided, single submitter. Criteria: Invitae Variant Classification Sherloc (09022015). Collection method: clinical testing. Allele origin: germline.
Comment: ClinVar contains an entry for this variant (Variation ID: 917646). For these reasons, this variant has been classified as Pathogenic. This variant is also known as p.Asn456fs*458 and K456NfsX458. This premature translational stop signal has been observed in individual(s) with arrhythmogenic right ventricular cardiomyopathy (PMID: 31386562). This variant is not present in population databases (gnomAD no frequency). This sequence change creates a premature translational stop signal (p.Lys456Asnfs*3) in the PKP2 gene. It is expected to result in an absent or disrupted protein product. Loss-of-function variants in PKP2 are known to be pathogenic (PMID: 15489853, 23911551).

Ambry Genetics
Classification: Pathogenic for Cardiovascular phenotype. Last evaluated: 2021-08-10. Review status: criteria provided, single submitter. Criteria: Ambry Variant Classification Scheme 2023. Collection method: clinical testing. Allele origin: germline.
Comment: The c.1368delA pathogenic mutation, located in coding exon 5 of the PKP2 gene, results from a deletion of one nucleotide at nucleotide position 1368, causing a translational frameshift with a predicted alternate stop codon (p.K456Nfs*3). This alteration has been reported in arrhythmogenic right ventricular cardiomyopathy (ARVC) cohorts, including in a family in which this alteration was inherited from an unaffected mother (Dalal D et al. Circulation, 2006 Apr;113:1641-9; Xu T et al. J Am Coll Cardiol, 2010 Feb;55:587-97). This alteration is expected to result in loss of function by premature protein truncation or nonsense-mediated mRNA decay. As such, this alteration is interpreted as a disease-causing mutation.

Women's Health and Genetics/Laboratory Corporation of America, LabCorp
Classification: Likely pathogenic for Arrhythmogenic right ventricular dysplasia/cardiomyopathy. Last evaluated: 2020-01-13. Review status: criteria provided, single submitter. Criteria: LabCorp Variant Classification Summary - May 2015. Collection method: clinical testing. Allele origin: germline.
Comment: Variant summary: PKP2 c.1368delA (p.Lys456AsnfsX3) results in a premature termination codon, predicted to cause a truncation of the encoded protein or absence of the protein due to nonsense mediated decay, which are commonly known mechanisms for disease. Truncations downstream of this position have been classified as pathogenic by our laboratory. The variant was absent in 250950 control chromosomes. c.1368delA has been reported in the literature in at-least one individual affected with Arrhythmogenic Right Ventricular Dysplasia/Cardiomyopathy (Dalal_2006) and has subsequently been cited in other studies reporting authorship and/or institutional overlap (example, denHaan_2009, Zu_2010). These data support the notion that the variant is likely to be associated with disease. To our knowledge, no experimental evidence demonstrating an impact on protein function has been reported. No clinical diagnostic laboratories have submitted clinical-significance assessments for this variant to ClinVar after 2014. Based on the evidence outlined above, the variant was classified as likely pathogenic.

Literature cited by the submitters: PubMed 16549640 (cited by 3 submitters); PubMed 20031617 (cited by All of Us Research Program, National Institutes of Health and Women's Health and Genetics/Laboratory Corporation of America, LabCorp); PubMed 20152563 (cited by 3 submitters); PubMed 20857253 (cited by All of Us Research Program, National Institutes of Health); PubMed 23671136 (cited by All of Us Research Program, National Institutes of Health); PubMed 25820315 (cited by All of Us Research Program, National Institutes of Health); PubMed 28588093 (cited by All of Us Research Program, National Institutes of Health); PubMed 31386562 (cited by All of Us Research Program, National Institutes of Health and Labcorp Genetics (formerly Invitae), Labcorp); PubMed 15489853 (cited by Labcorp Genetics (formerly Invitae), Labcorp); PubMed 23911551 (cited by Labcorp Genetics (formerly Invitae), Labcorp).